The following is an entry in ClinVar:

NM_006904.7(PRKDC):c.10847C>A (p.Ala3616Asp)

Gene: PRKDC (protein kinase, DNA-activated, catalytic subunit; minus strand). Cytogenetic location: 8q11.21.
Variant type: single nucleotide variant.
Coding change: c.10847C>A on transcript NM_006904.7 (MANE Select); coding-DNA position 10847, C replaced by A.
Protein change: p.Ala3616Asp; replaces alanine 3616 with aspartic acid.
Molecular consequence: missense variant.
Genome position (GRCh38, 1-based): chr8:47,788,961, G>T on the plus strand (C>A on the coding strand, the complement: PRKDC is on the minus strand). VCF-style: chr8-47788961-G-T. GRCh37 (hg19) VCF-style: chr8-48701522-G-T.
Other names: c.10847C>A, p.Ala3616Asp (NM_001081640.2); short protein forms A3616D.
Identifiers: ClinVar variation 1787180 (VCV001787180.2), dbSNP rs2551861330, ClinGen allele CA371132105.

ClinVar aggregate classification (germline): Uncertain significance (1 of 4 stars; one submission).

Submission:

Ambry Genetics
Classification: Uncertain significance. Last evaluated: 2022-10-28. Review status: criteria provided, single submitter. Criteria: Ambry Variant Classification Scheme 2023. Collection method: clinical testing. Allele origin: germline.
Comment: The p.A3616D variant (also known as c.10847C>A), located in coding exon 76 of the PRKDC gene, results from a C to A substitution at nucleotide position 10847. The alanine at codon 3616 is replaced by aspartic acid, an amino acid with dissimilar properties. This amino acid position is conserved. Since supporting evidence is limited at this time, the clinical significance of this alteration remains unclear.